The following is an entry in ClinVar:

NM_014444.5(TUBGCP4):c.967G>T (p.Val323Leu)

Gene: TUBGCP4 (tubulin gamma complex component 4; plus strand). Cytogenetic location: 15q15.3.
Variant type: single nucleotide variant.
Coding change: c.967G>T on transcript NM_014444.5 (MANE Select); coding-DNA position 967, G replaced by T.
Protein change: p.Val323Leu; replaces valine 323 with leucine.
Molecular consequence: missense variant.
Genome position (GRCh38, 1-based): chr15:43,386,283, G>T. VCF-style: chr15-43386283-G-T. GRCh37 (hg19) VCF-style: chr15-43678481-G-T.
Other names: c.967G>T, p.Val323Leu (NM_001286414.3); c.967G>T (NM_014444.2); short protein forms V323L.
Identifiers: ClinVar variation 791099 (VCV000791099.53), dbSNP rs191224065, ClinGen allele CA7523921.
Genomic context (GRCh38, chr15:43,386,283, plus strand): 5'-CAGGAAGACACTTTTGCTGCAGAGCTGCACCGTCTCAAGCAGCAGCCACTCTTCAGCTTG[G>T]TGGACTTTGAACAGGTGGTGGATCGCATTCGCAGCACTGTGGCTGAGGTTTGTGTTTCAT-3'
Protein context (NP_055259.2, residues 313-333): RLKQQPLFSL[Val323Leu]DFEQVVDRIR

ClinVar aggregate classification (germline): Benign/Likely benign. Review status: criteria provided, multiple submitters, no conflicts (2 of 4 stars). 8 submissions from 8 submitters: Benign (2); Likely benign (5). 1 of the submissions does not count toward it. Last evaluated 2026-05-01.

Conditions:
TUBGCP4-related disorder. Also called: TUBGCP4-related condition.
Inborn genetic diseases. Identifiers: MedGen C0950123, MeSH D030342.

Allele frequency attached by ClinVar (database versions not stated): ESP Exome Variant Server 0.00041; gnomAD 0.00057 and 0.00063; gnomAD exomes 0.00078 and 0.00135; 1000 Genomes Project 0.00100; 1000 Genomes Project 30x 0.00109; ExAC 0.00129.

Submissions (8):

CeGaT Center for Human Genetics Tuebingen
Classification: Likely benign. Last evaluated: 2026-05-01. Review status: criteria provided, single submitter. Criteria: CeGaT Center For Human Genetics Tuebingen Variant Classification Criteria Version 2. Collection method: clinical testing. Allele origin: germline. Affected: yes. Observed: 3 variant alleles.
Comment: TUBGCP4: BS2

Labcorp Genetics (formerly Invitae), Labcorp
Classification: Benign. Last evaluated: 2026-01-17. Review status: criteria provided, single submitter. Criteria: Invitae Variant Classification Sherloc (09022015). Collection method: clinical testing. Allele origin: germline.

Blueprint Genetics
Classification: Likely benign. Last evaluated: 2024-11-11. Review status: criteria provided, single submitter. Criteria: ACMG Guidelines, 2015. Collection method: clinical testing. Allele origin: germline.

Ambry Genetics
Classification: Likely benign for Inborn genetic diseases. Last evaluated: 2021-06-30. Review status: criteria provided, single submitter. Criteria: Ambry Variant Classification Scheme 2023. Collection method: clinical testing. Allele origin: germline.

GeneDx
Classification: Likely benign. Last evaluated: 2020-03-30. Review status: criteria provided, single submitter. Criteria: GeneDx Variant Classification Process June 2021. Collection method: clinical testing. Allele origin: germline. Affected: yes.

Genetic Services Laboratory, University of Chicago
Classification: Benign. Last evaluated: 2018-04-09. Review status: criteria provided, single submitter. Criteria: ACMG Guidelines, 2015. Collection method: clinical testing. Allele origin: germline. Affected: no.

Breakthrough Genomics
Classification: Likely benign. Review status: criteria provided, single submitter. Criteria: ACMG Guidelines, 2015. Collection method: not provided. Allele origin: germline. Inheritance: Autosomal recessive inheritance. Affected: yes.

PreventionGenetics, part of Exact Sciences
Classification: Benign for TUBGCP4-related condition. Last evaluated: 2019-08-29. Review status: no assertion criteria provided. Collection method: clinical testing. Allele origin: germline. Not counted in ClinVar's aggregate classification.
Comment: This variant is classified as benign based on ACMG/AMP sequence variant interpretation guidelines (Richards et al. 2015 PMID: 25741868, with internal and published modifications).